The following is an entry in ClinVar:

ClinVar aggregate classification (germline): Benign/Likely benign. Review status: criteria provided, multiple submitters, no conflicts (2 of 4 stars). 7 submissions from 7 submitters: Benign (3); Likely benign (1). 3 of the submissions do not count toward it. Last evaluated 2026-09-01.

Allele frequency attached by ClinVar (database versions not stated): 1000 Genomes Project 30x 0.00172; TOPMed 0.00350; gnomAD 0.00400 and 0.00405; gnomAD exomes 0.00571.
gnomAD v4.1: 8,956 of 1,611,390 alleles (0.56%); highest among the groups gnomAD compares: Non-Finnish European, 0.67%; 40 homozygotes.

Submissions (7):

CeGaT Center for Human Genetics Tuebingen
Classification: Benign. Last evaluated: 2026-09-01. Review status: criteria provided, single submitter. Criteria: CeGaT Center For Human Genetics Tuebingen Variant Classification Criteria Version 2. Collection method: clinical testing. Allele origin: germline. Affected: yes. Observed: 24 variant alleles.
Comment: NOTCH2: BP4, BP7, BS1, BS2

Blueprint Genetics
Classification: Likely benign. Last evaluated: 2024-11-22. Review status: criteria provided, single submitter. Criteria: ACMG Guidelines, 2015. Collection method: clinical testing. Allele origin: germline.

GeneDx
Classification: Benign. Last evaluated: 2020-01-08. Review status: criteria provided, single submitter. Criteria: GeneDx Variant Classification Process June 2021. Collection method: clinical testing. Allele origin: germline. Affected: yes.

Breakthrough Genomics
Classification: Benign. Review status: criteria provided, single submitter. Criteria: ACMG Guidelines, 2015. Collection method: not provided. Allele origin: germline. Inheritance: Autosomal dominant inheritance. Affected: yes.

Genetic Services Laboratory, University of Chicago
Classification: Likely benign. Last evaluated: 2022-12-01. Review status: no assertion criteria provided. Collection method: clinical testing. Allele origin: germline. Affected: no. Not counted in ClinVar's aggregate classification.

Clinical Genetics DNA and cytogenetics Diagnostics Lab, Erasmus MC, Erasmus Medical Center
Classification: Likely benign. Review status: no assertion criteria provided. Collection method: clinical testing. Allele origin: germline. Affected: yes. Study: VKGL Data-share Consensus. Not counted in ClinVar's aggregate classification.

Genome Diagnostics Laboratory, University Medical Center Utrecht
Classification: Likely benign. Review status: no assertion criteria provided. Collection method: clinical testing. Allele origin: germline. Affected: yes. Study: VKGL Data-share Consensus. Not counted in ClinVar's aggregate classification.

NM_024408.4(NOTCH2):c.435G>A (p.Thr145=)

Gene: NOTCH2 (notch receptor 2; minus strand). Cytogenetic location: 1p12.
Variant type: single nucleotide variant.
Coding change: c.435G>A on transcript NM_024408.4 (MANE Select); coding-DNA position 435, G replaced by A.
Protein change: p.Thr145=; no amino-acid change (threonine 145 retained).
Molecular consequence: synonymous variant.
Genome position (GRCh38, 1-based): chr1:119,997,313, C>T on the plus strand (G>A on the coding strand, the complement: NOTCH2 is on the minus strand). VCF-style: chr1-119997313-C-T. GRCh37 (hg19) VCF-style: chr1-120539936-C-T.
Other names: c.435G>A, p.Thr145= (NM_001200001.2).
Identifiers: ClinVar variation 1270095 (VCV001270095.29), dbSNP rs1615676, ClinGen allele CA1040842.